The following is an entry in ClinVar:

ClinVar aggregate classification (germline): Uncertain significance (1 of 4 stars; one submission).

Conditions:
Cystic fibrosis (CF). Also called: MUCOVISCIDOSIS. Identifiers: Orphanet 586, MedGen C0010674, MONDO:0009061, OMIM 219700. Disease mechanism: loss of function.

gnomAD v4.1: 1 of 1,614,054 alleles (0.000062%); highest among the groups gnomAD compares: Admixed American, 0.0017%; no homozygotes.

Submission:

Ambry Genetics
Classification: Uncertain significance for Cystic fibrosis. Last evaluated: 2024-12-30. Review status: criteria provided, single submitter. Criteria: Ambry Variant Classification Scheme 2023. Collection method: clinical testing. Allele origin: germline.
Comment: The p.T940A variant (also known as c.2818A>G), located in coding exon 17 of the CFTR gene, results from an A to G substitution at nucleotide position 2818. The threonine at codon 940 is replaced by alanine, an amino acid with similar properties. This amino acid position is not well conserved in available vertebrate species. In addition, the in silico prediction for this alteration is inconclusive. Based on the available evidence, the clinical significance of this variant remains unclear.

NM_000492.4(CFTR):c.2818A>G (p.Thr940Ala)

Gene: CFTR (CF transmembrane conductance regulator; plus strand). Cytogenetic location: 7q31.2.
Variant type: single nucleotide variant.
Coding change: c.2818A>G on transcript NM_000492.4 (MANE Select); coding-DNA position 2818, A replaced by G.
Protein change: p.Thr940Ala; replaces threonine 940 with alanine.
Molecular consequence: missense variant.
Genome position (GRCh38, 1-based): chr7:117,603,692, A>G. VCF-style: chr7-117603692-A-G. GRCh37 (hg19) VCF-style: chr7-117243746-A-G.
Other names: short protein forms T940A.
Identifiers: ClinVar variation 3832545 (VCV003832545.1).